The following is an entry in ClinVar:

NM_206933.4(USH2A):c.9335_9358del (p.Asp3112_Arg3119del)

Gene: USH2A (usherin; minus strand). Cytogenetic location: 1q41.
Variant type: Deletion.
Coding change: c.9335_9358del on transcript NM_206933.4 (MANE Select); coding-DNA positions 9335 to 9358, 24 bases deleted (ATATACCAACACCCACAATTCGTG).
Protein change: p.Asp3112_Arg3119del.
Molecular consequence: inframe deletion.
Genome position (GRCh38, 1-based): chr1:215,838,004-215,838,027, CACGAATTGTGGGTGTTGGTATAT deleted on the plus strand (ATATACCAACACCCACAATTCGTG on the coding strand, the reverse complement: USH2A is on the minus strand); deleting any 24 consecutive bases within chr1:215,838,004-215,838,030 gives the same sequence; the c. name uses the placement nearest the transcript's 3' end. VCF-style (leftmost placement, unchanged base first): chr1-215838003-CCACGAATTGTGGGTGTTGGTATAT-C. GRCh37 (hg19) VCF-style: chr1-216011345-CCACGAATTGTGGGTGTTGGTATAT-C.
Other names: c.9335_9358del24 (NM_206933.2).
Identifiers: ClinVar variation 551824 (VCV000551824.5), dbSNP rs773379163, ClinGen allele CA1394344.

ClinVar aggregate classification (germline): Uncertain significance. Review status: criteria provided, multiple submitters, no conflicts (2 of 4 stars). 4 submissions from 3 submitters: Uncertain significance (3). 1 of the submissions does not count toward it. Last evaluated 2023-11-04.

Conditions:
Retinitis pigmentosa 39 (RP39). Identifiers: Orphanet 791, MedGen C3151138, MONDO:0013436, OMIM 613809.
Usher syndrome type 2A. Also called: RETINAL DISEASE IN USHER SYNDROME TYPE IIA, MODIFIER OF; USHER SYNDROME, TYPE IIA. Identifiers: Orphanet 231178, Orphanet 886, MedGen C1848634, MONDO:0010169, OMIM 276901.
Retinitis pigmentosa (RP). Identifiers: Orphanet 791, MedGen C0035334, MeSH D012174, MONDO:0019200, OMIM 268000. Inheritance: Autosomal dominant, autosomal recessive and X linked inheritance.

Submissions (4):

Genome-Nilou Lab
Classification: Uncertain significance for Retinitis pigmentosa 39. Last evaluated: 2023-11-04. Review status: criteria provided, single submitter. Criteria: ACMG Guidelines, 2015. Collection method: clinical testing. Allele origin: germline. Affected: no.

Genome-Nilou Lab
Classification: Uncertain significance for Usher syndrome type 2A. Last evaluated: 2023-11-04. Review status: criteria provided, single submitter. Criteria: ACMG Guidelines, 2015. Collection method: clinical testing. Allele origin: germline. Affected: no.

Broad Center for Mendelian Genomics, Broad Institute of MIT and Harvard
Classification: Uncertain significance for Retinitis pigmentosa. Last evaluated: 2021-04-01. Review status: criteria provided, single submitter. Criteria: ACMG Guidelines, 2015. Collection method: curation. Allele origin: germline. Inheritance: Autosomal recessive inheritance. Affected: yes.
Comment: Through a review of available evidence we were able to apply the following criteria: PM2, PM4, PM3-P. Based on this evidence we have classified this variant as a Variant of Uncertain Significance. If you have any questions about the classification please reach out to the Pierce Lab.

Counsyl
Classification: Uncertain significance for Usher syndrome type 2A; Retinitis pigmentosa 39. Last evaluated: 2017-05-08. Review status: no assertion criteria provided. Collection method: clinical testing. Allele origin: unknown. Not counted in ClinVar's aggregate classification.

Literature cited by the submitters: PubMed 34906470 (cited by Broad Center for Mendelian Genomics, Broad Institute of MIT and Harvard).